The following is an entry in ClinVar:

NM_003072.5(SMARCA4):c.65C>A (p.Pro22His)

Gene: SMARCA4 (SWI/SNF related BAF chromatin remodeling complex subunit ATPase 4; plus strand). Cytogenetic location: 19p13.2.
Variant type: single nucleotide variant.
Coding change: c.65C>A on transcript NM_003072.5 (MANE Select); coding-DNA position 65, C replaced by A.
Protein change: p.Pro22His; replaces proline 22 with histidine.
Molecular consequence: missense variant. On other transcripts: non-coding transcript variant (1).
Genome position (GRCh38, 1-based): chr19:10,984,216, C>A. VCF-style: chr19-10984216-C-A. GRCh37 (hg19) VCF-style: chr19-11094892-C-A.
Other names: c.65C>A, p.Pro22His (NM_001128844.3, NM_001128845.2, NM_001128846.2 and 5 more transcripts); short protein forms P22H.
Identifiers: ClinVar variation 537799 (VCV000537799.17), dbSNP rs1227659334, ClinGen allele CA404054047.

ClinVar aggregate classification (germline): Uncertain significance. Review status: criteria provided, multiple submitters, no conflicts (2 of 4 stars). 3 submissions from 3 submitters: Uncertain significance (3). Last evaluated 2025-07-30.

Conditions:
Hereditary cancer-predisposing syndrome. Also called: Tumor predisposition; Hereditary Cancer Syndrome; Hereditary neoplastic syndrome; Neoplastic Syndromes, Hereditary. Identifiers: Orphanet 140162, MedGen C0027672, MeSH D009386, MONDO:0015356.
Intellectual disability, autosomal dominant 16 (CSS4). Also called: COFFIN-SIRIS SYNDROME 4. Identifiers: Orphanet 1465, MedGen C3553249, MONDO:0013821, OMIM 614609.
Rhabdoid tumor predisposition syndrome 2 (RTPS2). Identifiers: Orphanet 231108, Orphanet 69077, MedGen C2750074, MONDO:0013224, OMIM 613325.

Submissions (3):

Labcorp Genetics (formerly Invitae), Labcorp
Classification: Uncertain significance for Rhabdoid tumor predisposition syndrome 2. Last evaluated: 2025-07-30. Review status: criteria provided, single submitter. Criteria: Invitae Variant Classification Sherloc (09022015). Collection method: clinical testing. Allele origin: germline.
Comment: This sequence change replaces proline, which is neutral and non-polar, with histidine, which is basic and polar, at codon 22 of the SMARCA4 protein (p.Pro22His). This variant is not present in population databases (gnomAD no frequency). This variant has not been reported in the literature in individuals affected with SMARCA4-related conditions. ClinVar contains an entry for this variant (Variation ID: 537799). Invitae Evidence Modeling of protein sequence and biophysical properties (such as structural, functional, and spatial information, amino acid conservation, physicochemical variation, residue mobility, and thermodynamic stability) has been performed for this missense variant. However, the output from this modeling did not meet the statistical confidence thresholds required to predict the impact of this variant on SMARCA4 protein function. In summary, the available evidence is currently insufficient to determine the role of this variant in disease. Therefore, it has been classified as a Variant of Uncertain Significance.

Ambry Genetics
Classification: Uncertain significance for Hereditary cancer-predisposing syndrome. Last evaluated: 2023-11-30. Review status: criteria provided, single submitter. Criteria: Ambry Variant Classification Scheme 2023. Collection method: clinical testing. Allele origin: germline.
Comment: The p.P22H variant (also known as c.65C>A), located in coding exon 1 of the SMARCA4 gene, results from a C to A substitution at nucleotide position 65. The proline at codon 22 is replaced by histidine, an amino acid with similar properties. This amino acid position is highly conserved in available vertebrate species. In addition, the in silico prediction for this alteration is inconclusive. Missense and in-frame variants in SMARCA4 are known to cause neurodevelopmental disorders; however, such associations with rhabdoid tumor predisposition syndrome including small cell carcinoma of the ovary-hypercalcemic type (SCCOHT) are exceedingly rare (Kosho T et al. Am J Med Genet C Semin Med Genet. 2014 Sep;166C(3):262-75; Jelinic P et al. Nat Genet. 2014 May;46(5):424-6). Since supporting evidence is limited at this time, the clinical significance of this alteration remains unclear.

Genome-Nilou Lab
Classification: Uncertain significance for Intellectual disability, autosomal dominant 16. Last evaluated: 2021-07-15. Review status: criteria provided, single submitter. Criteria: ACMG Guidelines, 2015. Collection method: clinical testing. Allele origin: germline. Affected: no.